The following is an entry in ClinVar:

ClinVar aggregate classification (germline): Conflicting classifications of pathogenicity. Review status: criteria provided, conflicting classifications (1 of 4 stars). 4 submissions from 4 submitters: Uncertain significance (3); Likely benign (1). Last evaluated 2025-10-17.

Conditions:
Spinocerebellar ataxia, autosomal recessive, with axonal neuropathy 1 (SCAN1). Identifiers: Orphanet 94124, MedGen C4759870, MONDO:0011801, OMIM 607250.

Allele frequency attached by ClinVar (database versions not stated): ExAC 0.00003; gnomAD exomes 0.00005 and 0.00004; TOPMed 0.00006; gnomAD 0.00008 and 0.00009.

Submissions (4):

Mayo Clinic Laboratories, Mayo Clinic
Classification: Likely benign. Last evaluated: 2025-10-17. Review status: criteria provided, single submitter. Criteria: ACMG Guidelines, 2015. Collection method: clinical testing. Allele origin: germline. Observed: 1 variant allele.
Comment: BP4, BP7

Athena Diagnostics
Classification: Uncertain significance. Last evaluated: 2018-10-26. Review status: criteria provided, single submitter. Criteria: Athena Diagnostics Criteria. Collection method: clinical testing. Allele origin: germline.

Illumina Laboratory Services, Illumina
Classification: Uncertain significance for Spinocerebellar ataxia, autosomal recessive, with axonal neuropathy 1. Last evaluated: 2018-01-12. Review status: criteria provided, single submitter. Criteria: ICSL Variant Classification Criteria 13 December 2019. Collection method: clinical testing. Allele origin: germline.

Eurofins Ntd Llc (ga)
Classification: Uncertain significance. Last evaluated: 2017-04-14. Review status: criteria provided, single submitter. Criteria: EGL Classification Definitions 2015. Collection method: clinical testing. Allele origin: germline. Observed: 1 variant allele, 1 heterozygote.

NM_018319.4(TDP1):c.15C>T (p.Gly5=)

Genes: TDP1 (tyrosyl-DNA phosphodiesterase 1; plus strand), LOC126862019 (CDK7 strongly-dependent group 2 enhancer GRCh37_chr14:90429220-90430419; plus strand). Cytogenetic location: 14q32.11.
Variant type: single nucleotide variant.
Coding change: c.15C>T on transcript NM_018319.4 (MANE Select); coding-DNA position 15, C replaced by T.
Protein change: p.Gly5=; no amino-acid change (glycine 5 retained).
Molecular consequence: synonymous variant.
Genome position (GRCh38, 1-based): chr14:89,963,129, C>T. VCF-style: chr14-89963129-C-T. GRCh37 (hg19) VCF-style: chr14-90429473-C-T.
Other names: p.Gly5=; c.15C>T, p.Gly5= (NM_001008744.2, NM_001330205.2).
Identifiers: ClinVar variation 314822 (VCV000314822.11), dbSNP rs779666160, ClinGen allele CA7303496.
Genomic context (GRCh38, chr14:89,963,129, plus strand): 5'-TGAATGGGAAATGCTGATGTTTCCACTTTTCATTTCCAGGAGTATAATGTCTCAGGAAGG[C>T]GATTATGGGAGGTGGACCATATCTAGTAGTGATGAAAGTGAGGAAGAAAAGCCAAAACCA-3'
Protein context (NP_060789.2, residues 1-15): MSQE[Gly5=]DYGRWTISSS